The following is an entry in ClinVar:

ClinVar aggregate classification (germline): Uncertain significance (1 of 4 stars; one submission).

Conditions:
Bethlem myopathy 1A. Also called: Bethlem myopathy 1; Bethlem Muscular Dystrophy; MYOPATHY, BENIGN CONGENITAL, WITH CONTRACTURES. Identifiers: Orphanet 610, MedGen CN029274, MONDO:0024530, OMIM 158810.

Submission:

Labcorp Genetics (formerly Invitae), Labcorp
Classification: Uncertain significance for Bethlem myopathy 1A. Last evaluated: 2025-12-10. Review status: criteria provided, single submitter. Criteria: Invitae Variant Classification Sherloc (09022015). Collection method: clinical testing. Allele origin: germline.
Comment: This variant, c.675_680del, results in the deletion of 2 amino acid(s) of the COL6A2 protein (p.Glu225_Ile226del), but otherwise preserves the integrity of the reading frame. This variant is present in population databases (rs775693562, gnomAD 0.0009%). This variant has not been reported in the literature in individuals affected with COL6A2-related conditions. ClinVar contains an entry for this variant (Variation ID: 1366152). Experimental studies and prediction algorithms are not available or were not evaluated, and the functional significance of this variant is currently unknown. In summary, the available evidence is currently insufficient to determine the role of this variant in disease. Therefore, it has been classified as a Variant of Uncertain Significance.

NM_001849.4(COL6A2):c.675_680del (p.Glu225_Ile226del)

Gene: COL6A2 (collagen type VI alpha 2 chain; plus strand). Cytogenetic location: 21q22.3.
Variant type: Deletion.
Coding change: c.675_680del on transcript NM_001849.4 (MANE Select); coding-DNA positions 675 to 680, 6 bases deleted (GATCGA; older notation c.675_680delGATCGA).
Protein change: p.Glu225_Ile226del.
Molecular consequence: inframe deletion.
Genome position (GRCh38, 1-based): chr21:46,112,538-46,112,543, GATCGA deleted; deleting any 6 consecutive bases within chr21:46,112,535-46,112,543 gives the same sequence; the c. name uses the placement nearest the transcript's 3' end. VCF-style (leftmost placement, unchanged base first): chr21-46112534-CCGAGAT-C. GRCh37 (hg19) VCF-style: chr21-47532448-CCGAGAT-C.
Other names: c.675_680del, p.Glu225_Ile226del (NM_058174.3, NM_058175.3).
Identifiers: ClinVar variation 1366152 (VCV001366152.8), dbSNP rs775693562, ClinGen allele CA10071369.